The following is an entry in ClinVar:

NM_001098.3(ACO2):c.1291G>A (p.Gly431Ser)

Gene: ACO2 (aconitase 2; plus strand). Cytogenetic location: 22q13.2.
Variant type: single nucleotide variant.
Coding change: c.1291G>A on transcript NM_001098.3 (MANE Select); coding-DNA position 1291, G replaced by A.
Protein change: p.Gly431Ser; replaces glycine 431 with serine.
Molecular consequence: missense variant.
Genome position (GRCh38, 1-based): chr22:41,522,982, G>A. VCF-style: chr22-41522982-G-A. GRCh37 (hg19) VCF-style: chr22-41918986-G-A.
Other names: c.1291G>A (NM_001098.2); short protein forms G431S.
Identifiers: ClinVar variation 1434114 (VCV001434114.10), dbSNP rs772704469, ClinGen allele CA10257592.

ClinVar aggregate classification (germline): Uncertain significance. Review status: criteria provided, multiple submitters, no conflicts (2 of 4 stars). 3 submissions from 3 submitters: Uncertain significance (3). Last evaluated 2025-03-26.

Conditions:
Inborn genetic diseases. Identifiers: MedGen C0950123, MeSH D030342.

Allele frequency attached by ClinVar (database versions not stated): ExAC 0.00002; gnomAD exomes 0.00002 and 0.00005; gnomAD 0.00003 and 0.00004; TOPMed 0.00003.
gnomAD v4.1: 82 of 1,613,996 alleles (0.0051%); highest among the groups gnomAD compares: Middle Eastern, 0.016%; no homozygotes.

Submissions (3):

GeneDx
Classification: Uncertain significance. Last evaluated: 2025-03-26. Review status: criteria provided, single submitter. Criteria: GeneDx Variant Classification Process June 2021. Collection method: clinical testing. Allele origin: germline. Affected: yes.
Comment: Identified heterozygous in an individual with centrocecal scotoma and strong myopia (PMID: 34056600); Not observed at significant frequency in large population cohorts (gnomAD); In silico analysis supports that this missense variant has a deleterious effect on protein structure/function; This variant is associated with the following publications: (PMID: 34056600)

Labcorp Genetics (formerly Invitae), Labcorp
Classification: Uncertain significance. Last evaluated: 2024-09-14. Review status: criteria provided, single submitter. Criteria: Invitae Variant Classification Sherloc (09022015). Collection method: clinical testing. Allele origin: germline.
Comment: This sequence change replaces glycine, which is neutral and non-polar, with serine, which is neutral and polar, at codon 431 of the ACO2 protein (p.Gly431Ser). This variant is present in population databases (rs772704469, gnomAD 0.01%). This missense change has been observed in individual(s) with autosomal dominant optic atrophy (PMID: 34056600). ClinVar contains an entry for this variant (Variation ID: 1434114). Invitae Evidence Modeling of protein sequence and biophysical properties (such as structural, functional, and spatial information, amino acid conservation, physicochemical variation, residue mobility, and thermodynamic stability) indicates that this missense variant is not expected to disrupt ACO2 protein function with a negative predictive value of 80%. In summary, the available evidence is currently insufficient to determine the role of this variant in disease. Therefore, it has been classified as a Variant of Uncertain Significance.

Ambry Genetics
Classification: Uncertain significance for Inborn genetic diseases. Last evaluated: 2022-03-15. Review status: criteria provided, single submitter. Criteria: Ambry Variant Classification Scheme 2023. Collection method: clinical testing. Allele origin: germline.
Comment: The c.1291G>A (p.G431S) alteration is located in exon 10 (coding exon 10) of the ACO2 gene. This alteration results from a G to A substitution at nucleotide position 1291, causing the glycine (G) at amino acid position 431 to be replaced by a serine (S). This amino acid position is highly conserved in available vertebrate species. This alteration is predicted to be deleterious by in silico analysis. Based on insufficient or conflicting evidence, the clinical significance of this alteration remains unclear.

Literature cited by the submitters: PubMed 34056600 (cited by Labcorp Genetics (formerly Invitae), Labcorp and Ambry Genetics).